The following is an entry in ClinVar:

ClinVar aggregate classification (germline): Uncertain significance (1 of 4 stars; one submission).

Submission:

Labcorp Genetics (formerly Invitae), Labcorp
Classification: Uncertain significance. Last evaluated: 2022-10-27. Review status: criteria provided, single submitter. Criteria: Invitae Variant Classification Sherloc (09022015). Collection method: clinical testing. Allele origin: germline.
Comment: Advanced modeling of protein sequence and biophysical properties (such as structural, functional, and spatial information, amino acid conservation, physicochemical variation, residue mobility, and thermodynamic stability) performed at Invitae indicates that this missense variant is not expected to disrupt PPP2R1A protein function. In summary, the available evidence is currently insufficient to determine the role of this variant in disease. Therefore, it has been classified as a Variant of Uncertain Significance. This variant has not been reported in the literature in individuals affected with PPP2R1A-related conditions. This variant is not present in population databases (gnomAD no frequency). This sequence change replaces valine, which is neutral and non-polar, with leucine, which is neutral and non-polar, at codon 525 of the PPP2R1A protein (p.Val525Leu).

NM_014225.6(PPP2R1A):c.1573G>C (p.Val525Leu)

Genes: PPP2R1A (protein phosphatase 2 scaffold subunit Aalpha; plus strand), LOC126862924 (BRD4-independent group 4 enhancer GRCh37_chr19:52724813-52726012; plus strand). Cytogenetic location: 19q13.41.
Variant type: single nucleotide variant.
Coding change: c.1573G>C on transcript NM_014225.6 (MANE Select); coding-DNA position 1573, G replaced by C.
Protein change: p.Val525Leu; replaces valine 525 with leucine.
Molecular consequence: missense variant. On other transcripts: non-coding transcript variant (1).
Genome position (GRCh38, 1-based): chr19:52,222,153, G>C. VCF-style: chr19-52222153-G-C. GRCh37 (hg19) VCF-style: chr19-52725406-G-C.
Other names: c.1036G>C, p.Val346Leu (NM_001363656.2); short protein forms V525L, V346L.
Identifiers: ClinVar variation 2810176 (VCV002810176.3), dbSNP rs1978975688, ClinGen allele CA407154384.
Genomic context (GRCh38, chr19:52,222,153, plus strand): 5'-CCCCAGGTGCTGTCTGAGGTCTGTGGGCAGGACATCACCACCAAGCACATGCTACCCACG[G>C]TTCTGCGCATGGCTGGGGACCCGGTTGCCAATGTCCGCTTCAATGTGGCCAAGTCTCTGC-3'
Protein context (NP_055040.2, residues 515-535): DITTKHMLPT[Val525Leu]LRMAGDPVAN